The following is an entry in ClinVar:

NM_181078.3(IL21R):c.1412G>C (p.Gly471Ala)

Genes: IL21R (interleukin 21 receptor; plus strand), IL21R-AS1 (IL21R antisense RNA 1; minus strand), LOC130058713 (ATAC-STARR-seq lymphoblastoid active region 10627; plus strand). Cytogenetic location: 16p12.1.
Variant type: single nucleotide variant.
Coding change: c.1412G>C on transcript NM_181078.3 (MANE Select); coding-DNA position 1412, G replaced by C.
Protein change: p.Gly471Ala; replaces glycine 471 with alanine.
Molecular consequence: missense variant. On other transcripts: non-coding transcript variant (1).
Genome position (GRCh38, 1-based): chr16:27,449,078, G>C. VCF-style: chr16-27449078-G-C. GRCh37 (hg19) VCF-style: chr16-27460399-G-C.
Other names: c.1412G>C, p.Gly471Ala (NM_021798.4); c.1478G>C, p.Gly493Ala (NM_181079.5); c.1478G>C (NM_181079.4); short protein forms G471A, G493A.
Identifiers: ClinVar variation 1025748 (VCV001025748.7), dbSNP rs776202922, ClinGen allele CA7975197.
Genomic context (GRCh38, chr16:27,449,078, plus strand): 5'-CACCCCTTGCAGATGGGGAGGACTGGGCTGGGGGACTGCCCTGGGGTGGCCGGTCACCTG[G>C]AGGGGTCTCAGAGAGTGAGGCGGGCTCACCCCTGGCCGGCCTGGATATGGACACGTTTGA-3'
Protein context (NP_851564.1, residues 461-481): GGLPWGGRSP[Gly471Ala]GVSESEAGSP

ClinVar aggregate classification (germline): Uncertain significance. Review status: criteria provided, multiple submitters, no conflicts (2 of 4 stars). 2 submissions from 2 submitters: Uncertain significance (2). Last evaluated 2024-03-15.

Conditions:
Cryptosporidiosis-chronic cholangitis-liver disease syndrome. Also called: Immunodeficiency type 56; IL21R immunodeficiency. Identifiers: Orphanet 357329, MedGen C3554687, MONDO:0014082, OMIM 615207.
Inborn genetic diseases. Identifiers: MedGen C0950123, MeSH D030342.

Allele frequency attached by ClinVar (database versions not stated): ExAC 0.00002; gnomAD exomes 0.00002; gnomAD 0.00008 and 0.00010; TOPMed 0.00009.

Submissions (2):

Ambry Genetics
Classification: Uncertain significance for Inborn genetic diseases. Last evaluated: 2024-03-15. Review status: criteria provided, single submitter. Criteria: Ambry Variant Classification Scheme 2023. Collection method: clinical testing. Allele origin: germline.

Labcorp Genetics (formerly Invitae), Labcorp
Classification: Uncertain significance for Cryptosporidiosis-chronic cholangitis-liver disease syndrome. Last evaluated: 2022-09-19. Review status: criteria provided, single submitter. Criteria: Invitae Variant Classification Sherloc (09022015). Collection method: clinical testing. Allele origin: germline.
Comment: This sequence change replaces glycine, which is neutral and non-polar, with alanine, which is neutral and non-polar, at codon 471 of the IL21R protein (p.Gly471Ala). This variant is present in population databases (rs776202922, gnomAD 0.03%). This variant has not been reported in the literature in individuals affected with IL21R-related conditions. ClinVar contains an entry for this variant (Variation ID: 1025748). Advanced modeling of protein sequence and biophysical properties (such as structural, functional, and spatial information, amino acid conservation, physicochemical variation, residue mobility, and thermodynamic stability) performed at Invitae indicates that this missense variant is not expected to disrupt IL21R protein function. In summary, the available evidence is currently insufficient to determine the role of this variant in disease. Therefore, it has been classified as a Variant of Uncertain Significance.